The following is an entry in ClinVar:

NM_005045.4(RELN):c.5345G>A (p.Arg1782His)

Gene: RELN (reelin; minus strand). Cytogenetic location: 7q22.1.
Variant type: single nucleotide variant.
Coding change: c.5345G>A on transcript NM_005045.4 (MANE Select); coding-DNA position 5345, G replaced by A.
Protein change: p.Arg1782His; replaces arginine 1782 with histidine.
Molecular consequence: missense variant.
Genome position (GRCh38, 1-based): chr7:103,561,819, C>T on the plus strand (G>A on the coding strand, the complement: RELN is on the minus strand). VCF-style: chr7-103561819-C-T. GRCh37 (hg19) VCF-style: chr7-103202266-C-T.
Other names: c.5345G>A, p.Arg1782His (NM_173054.3); short protein forms R1782H.
Identifiers: ClinVar variation 836600 (VCV000836600.8), dbSNP rs747527621, ClinGen allele CA4421249.

ClinVar aggregate classification (germline): Conflicting classifications of pathogenicity. Review status: criteria provided, conflicting classifications (1 of 4 stars). 2 submissions from 2 submitters: Uncertain significance (1); Likely benign (1). Last evaluated 2025-08-21.

Conditions:
Norman-Roberts syndrome (LIS2). Also called: Lissencephaly 2 (Norman-Roberts type). Identifiers: Orphanet 89844, MedGen C0796089, MONDO:0009760, OMIM 257320.
Familial temporal lobe epilepsy 7. Identifiers: Orphanet 101046, MedGen C4225327, MONDO:0014639, OMIM 616436.
Inborn genetic diseases. Identifiers: MedGen C0950123, MeSH D030342.

Allele frequency attached by ClinVar (database versions not stated): gnomAD exomes 0.00001; ExAC 0.00002; gnomAD 0.00005 and 0.00006; TOPMed 0.00005.
gnomAD v4.1: 43 of 1,613,854 alleles (0.0027%); highest among the groups gnomAD compares: Middle Eastern, 0.049%; no homozygotes.

Submissions (2):

Labcorp Genetics (formerly Invitae), Labcorp
Classification: Uncertain significance for Familial temporal lobe epilepsy 7; Norman-Roberts syndrome. Last evaluated: 2025-08-21. Review status: criteria provided, single submitter. Criteria: Invitae Variant Classification Sherloc (09022015). Collection method: clinical testing. Allele origin: germline.
Comment: This sequence change replaces arginine, which is basic and polar, with histidine, which is basic and polar, at codon 1782 of the RELN protein (p.Arg1782His). This variant is present in population databases (rs747527621, gnomAD 0.002%). This variant has not been reported in the literature in individuals affected with RELN-related conditions. ClinVar contains an entry for this variant (Variation ID: 836600). Invitae Evidence Modeling of protein sequence and biophysical properties (such as structural, functional, and spatial information, amino acid conservation, physicochemical variation, residue mobility, and thermodynamic stability) indicates that this missense variant is not expected to disrupt RELN protein function with a negative predictive value of 80%. In summary, the available evidence is currently insufficient to determine the role of this variant in disease. Therefore, it has been classified as a Variant of Uncertain Significance.

Ambry Genetics
Classification: Likely benign for Inborn genetic diseases. Last evaluated: 2021-10-22. Review status: criteria provided, single submitter. Criteria: Ambry Variant Classification Scheme 2023. Collection method: clinical testing. Allele origin: germline.